The following is an entry in ClinVar:

ClinVar aggregate classification (germline): Benign. Review status: criteria provided, multiple submitters, no conflicts (2 of 4 stars). 8 submissions from 8 submitters: Benign (8). Last evaluated 2025-03-27.

Conditions:
Autosomal dominant polycystic kidney disease. Identifiers: Orphanet 730, MedGen C0085413, MONDO:0004691.
Polycystic kidney disease, adult type (PKD1). Also called: Polycystic Kidney, Autosomal Dominant; Polycystic Kidney Disease 1, Autosomal Dominant; Polycystic kidney disease 1; Polycystic kidney disease 1, severe; POLYCYSTIC KIDNEY DISEASE 1 WITH OR WITHOUT POLYCYSTIC LIVER DISEASE; POLYCYSTIC KIDNEY DISEASE, ADULT, TYPE I. Identifiers: MedGen C3149841, MONDO:0008263, OMIM 173900.

Allele frequency attached by ClinVar (database versions not stated): gnomAD exomes 0.16314; ESP Exome Variant Server 0.16438; ExAC 0.20603; 1000 Genomes Project 0.21685; 1000 Genomes Project 30x 0.22267; gnomAD 0.24772 and 0.25891; TOPMed 0.25932.
gnomAD v4.1: 267,230 of 1,555,570 alleles (17%); highest among the groups gnomAD compares: African/African-American, 49%; 27,913 homozygotes.

Submissions (8):

Women's Health and Genetics/Laboratory Corporation of America, LabCorp
Classification: Benign. Last evaluated: 2025-03-27. Review status: criteria provided, single submitter. Criteria: LabCorp Variant Classification Summary - May 2015. Collection method: clinical testing. Allele origin: germline.

Blueprint Genetics
Classification: Benign. Last evaluated: 2024-11-27. Review status: criteria provided, single submitter. Criteria: ACMG Guidelines, 2015. Collection method: clinical testing. Allele origin: germline.

Mayo Clinic Laboratories, Mayo Clinic
Classification: Benign. Last evaluated: 2022-04-26. Review status: criteria provided, single submitter. Criteria: ACMG Guidelines, 2015. Collection method: clinical testing. Allele origin: germline. Observed: 283 variant alleles.

ARUP Laboratories, Molecular Genetics and Genomics, ARUP Laboratories
Classification: Benign for Polycystic kidney disease, adult type. Last evaluated: 2020-05-08. Review status: criteria provided, single submitter. Criteria: ARUP Molecular Germline Variant Investigation Process. Collection method: clinical testing. Allele origin: germline.

GeneDx
Classification: Benign. Last evaluated: 2019-09-25. Review status: criteria provided, single submitter. Criteria: GeneDx Variant Classification Process June 2021. Collection method: clinical testing. Allele origin: germline. Affected: yes.
Comment: This variant is associated with the following publications: (PMID: 15772804, 10854095, 18837007, 22608885, 24374109)

Molecular Genetics of Inherited Kidney Disorders Laboratory, Garvan Institute of Medical Research
Classification: Benign for Autosomal dominant polycystic kidney disease. Last evaluated: 2019-01-01. Review status: criteria provided, single submitter. Criteria: ACMG Guidelines, 2015. Collection method: research. Allele origin: germline. Affected: yes.

Breakthrough Genomics
Classification: Benign. Review status: criteria provided, single submitter. Criteria: ACMG Guidelines, 2015. Collection method: not provided. Allele origin: germline. Inheritance: Autosomal dominant inheritance. Affected: yes.

PreventionGenetics, part of Exact Sciences
Classification: Benign. Review status: criteria provided, single submitter. Criteria: ACMG Guidelines, 2015. Collection method: clinical testing. Allele origin: germline.

NM_001009944.3(PKD1):c.9195G>C (p.Val3065=)

Gene: PKD1 (polycystin 1, transient receptor potential channel interacting; minus strand). Cytogenetic location: 16p13.3.
Variant type: single nucleotide variant.
Coding change: c.9195G>C on transcript NM_001009944.3 (MANE Select); coding-DNA position 9195, G replaced by C.
Protein change: p.Val3065=; no amino-acid change (valine 3065 retained).
Molecular consequence: synonymous variant.
Genome position (GRCh38, 1-based): chr16:2,102,387, C>G on the plus strand (G>C on the coding strand, the complement: PKD1 is on the minus strand). VCF-style: chr16-2102387-C-G. GRCh37 (hg19) VCF-style: chr16-2152388-C-G.
Other names: p.Val3065=; c.9195G>C, p.Val3065= (NM_000296.4).
Identifiers: ClinVar variation 257039 (VCV000257039.17), dbSNP rs9935834, ClinGen allele CA7830168.